The following is an entry in ClinVar:

NM_015466.4(PTPN23):c.2633G>A (p.Arg878Gln)

Gene: PTPN23 (protein tyrosine phosphatase non-receptor type 23; plus strand). Cytogenetic location: 3p21.31.
Variant type: single nucleotide variant.
Coding change: c.2633G>A on transcript NM_015466.4 (MANE Select); coding-DNA position 2633, G replaced by A.
Protein change: p.Arg878Gln; replaces arginine 878 with glutamine.
Molecular consequence: missense variant.
Genome position (GRCh38, 1-based): chr3:47,410,431, G>A. VCF-style: chr3-47410431-G-A. GRCh37 (hg19) VCF-style: chr3-47451921-G-A.
Other names: c.2633G>A (NM_015466.2); c.2255G>A, p.Arg752Gln (NM_001304482.2); short protein forms R878Q, R752Q.
Identifiers: ClinVar variation 1482030 (VCV001482030.7), dbSNP rs754520731, ClinGen allele CA2366092.

ClinVar aggregate classification (germline): Uncertain significance. Review status: criteria provided, multiple submitters, no conflicts (2 of 4 stars). 3 submissions from 3 submitters: Uncertain significance (3). Last evaluated 2025-09-28.

Conditions:
Inborn genetic diseases. Identifiers: MedGen C0950123, MeSH D030342.

Allele frequency attached by ClinVar (database versions not stated): gnomAD exomes below 0.00001 and 0.00004; ExAC 0.00001; gnomAD 0.00003 and 0.00004; TOPMed 0.00004.
gnomAD v4.1: 67 of 1,611,174 alleles (0.0042%); highest among the groups gnomAD compares: Non-Finnish European, 0.0053%; no homozygotes.

Submissions (3):

Ambry Genetics
Classification: Uncertain significance for Inborn genetic diseases. Last evaluated: 2025-09-28. Review status: criteria provided, single submitter. Criteria: Ambry Variant Classification Scheme 2023. Collection method: clinical testing. Allele origin: germline.

Labcorp Genetics (formerly Invitae), Labcorp
Classification: Uncertain significance. Last evaluated: 2025-05-27. Review status: criteria provided, single submitter. Criteria: Invitae Variant Classification Sherloc (09022015). Collection method: clinical testing. Allele origin: germline.
Comment: This sequence change replaces arginine, which is basic and polar, with glutamine, which is neutral and polar, at codon 878 of the PTPN23 protein (p.Arg878Gln). This variant is present in population databases (rs754520731, gnomAD 0.0009%). This variant has not been reported in the literature in individuals affected with PTPN23-related conditions. ClinVar contains an entry for this variant (Variation ID: 1482030). Experimental studies and prediction algorithms are not available or were not evaluated, and the functional significance of this variant is currently unknown. In summary, the available evidence is currently insufficient to determine the role of this variant in disease. Therefore, it has been classified as a Variant of Uncertain Significance.

GeneDx
Classification: Uncertain significance. Last evaluated: 2023-06-10. Review status: criteria provided, single submitter. Criteria: GeneDx Variant Classification Process June 2021. Collection method: clinical testing. Allele origin: germline. Affected: yes.
Comment: Not observed at significant frequency in large population cohorts (gnomAD); In silico analysis supports that this missense variant does not alter protein structure/function; Has not been previously published as pathogenic or benign to our knowledge